The following is an entry in ClinVar:

ClinVar aggregate classification (germline): Pathogenic (1 of 4 stars; one submission).

Conditions:
Arrhythmogenic right ventricular dysplasia 8 (ARVD8). Also called: Arrhythmogenic Right Ventricular Dysplasia/Cardiomyopathy 8; ARRHYTHMOGENIC RIGHT VENTRICULAR DYSPLASIA, FAMILIAL, 8; ARRHYTHMOGENIC RIGHT VENTRICULAR CARDIOMYOPATHY 8. Identifiers: MedGen C1843896, MONDO:0011831, OMIM 607450.
Arrhythmogenic cardiomyopathy with wooly hair and keratoderma. Also called: PALMOPLANTAR KERATODERMA WITH LEFT VENTRICULAR CARDIOMYOPATHY AND WOOLLY HAIR; Carvajal syndrome; Arrhythmogenic cardiomyopathy with woolly hair and keratoderma; Dilated cardiomyopathy with woolly hair and keratoderma. Identifiers: Orphanet 65282, MedGen C1854063, MONDO:0011581, OMIM 605676.

Submission:

Labcorp Genetics (formerly Invitae), Labcorp
Classification: Pathogenic for Arrhythmogenic cardiomyopathy with wooly hair and keratoderma; Arrhythmogenic right ventricular dysplasia 8. Last evaluated: 2024-08-12. Review status: criteria provided, single submitter. Criteria: Invitae Variant Classification Sherloc (09022015). Collection method: clinical testing. Allele origin: germline.
Comment: This sequence change creates a premature translational stop signal (p.Trp298*) in the DSP gene. It is expected to result in an absent or disrupted protein product. Loss-of-function variants in DSP are known to be pathogenic (PMID: 20716751, 24503780, 25227139). This variant is not present in population databases (gnomAD no frequency). This variant has not been reported in the literature in individuals affected with DSP-related conditions. ClinVar contains an entry for this variant (Variation ID: 1073737). For these reasons, this variant has been classified as Pathogenic.

Literature cited by the submitters: PubMed 20716751; PubMed 24503780; PubMed 25227139.

NM_004415.4(DSP):c.894G>A (p.Trp298Ter)

Gene: DSP (desmoplakin; plus strand). Cytogenetic location: 6p24.3.
Variant type: single nucleotide variant.
Coding change: c.894G>A on transcript NM_004415.4 (MANE Select); coding-DNA position 894, G replaced by A.
Protein change: p.Trp298Ter; replaces tryptophan 298 with a stop codon.
Molecular consequence: nonsense.
Genome position (GRCh38, 1-based): chr6:7,565,475, G>A. VCF-style: chr6-7565475-G-A. GRCh37 (hg19) VCF-style: chr6-7565708-G-A.
Other names: c.894G>A, p.Trp298Ter (NM_001008844.3, NM_001319034.2); short protein forms W298*.
Identifiers: ClinVar variation 1073737 (VCV001073737.7), dbSNP rs2113669445, ClinGen allele CA362674545.